The following is an entry in ClinVar:

NM_006440.5(TXNRD2):c.1126A>G (p.Arg376Gly)

Gene: TXNRD2 (thioredoxin reductase 2; minus strand). Cytogenetic location: 22q11.21.
Variant type: single nucleotide variant.
Coding change: c.1126A>G on transcript NM_006440.5 (MANE Select); coding-DNA position 1126, A replaced by G.
Protein change: p.Arg376Gly; replaces arginine 376 with glycine.
Molecular consequence: missense variant. On other transcripts: non-coding transcript variant (1).
Genome position (GRCh38, 1-based): chr22:19,880,678, T>C on the plus strand (A>G on the coding strand, the complement: TXNRD2 is on the minus strand). VCF-style: chr22-19880678-T-C. GRCh37 (hg19) VCF-style: chr22-19868201-T-C.
Other names: c.1123A>G, p.Arg375Gly (NM_001352300.2); c.1036A>G, p.Arg346Gly (NM_001352301.2); c.838A>G, p.Arg280Gly (NM_001352302.2); short protein forms R346G, R375G, R280G, R376G.
Identifiers: ClinVar variation 840839 (VCV000840839.11), dbSNP rs371547623, ClinGen allele CA10103797.

ClinVar aggregate classification (germline): Uncertain significance. Review status: criteria provided, multiple submitters, no conflicts (2 of 4 stars). 2 submissions from 2 submitters: Uncertain significance (2). Last evaluated 2025-12-01.

Conditions:
Primary dilated cardiomyopathy (DCM). Also called: Dilated Cardiomyopathy. Identifiers: Orphanet 217604, MedGen C0007193, MeSH D002311, MONDO:0005021, HP:0001644. Inheritance: Various modes of inheritance.
Cardiovascular phenotype. Identifiers: MedGen CN230736.

Allele frequency attached by ClinVar (database versions not stated): ExAC 0.00001; gnomAD exomes 0.00001 and 0.00002; TOPMed 0.00003; gnomAD 0.00006; ESP Exome Variant Server 0.00016.
gnomAD v4.1: 38 of 1,613,182 alleles (0.0024%); highest among the groups gnomAD compares: Non-Finnish European, 0.0028%; no homozygotes.

Submissions (2):

Labcorp Genetics (formerly Invitae), Labcorp
Classification: Uncertain significance for Primary dilated cardiomyopathy. Last evaluated: 2025-12-01. Review status: criteria provided, single submitter. Criteria: Invitae Variant Classification Sherloc (09022015). Collection method: clinical testing. Allele origin: germline.
Comment: This sequence change replaces arginine, which is basic and polar, with glycine, which is neutral and non-polar, at codon 376 of the TXNRD2 protein (p.Arg376Gly). This variant is present in population databases (rs371547623, gnomAD 0.002%). This variant has not been reported in the literature in individuals affected with TXNRD2-related conditions. ClinVar contains an entry for this variant (Variation ID: 840839). Invitae Evidence Modeling of protein sequence and biophysical properties (such as structural, functional, and spatial information, amino acid conservation, physicochemical variation, residue mobility, and thermodynamic stability) indicates that this missense variant is not expected to disrupt TXNRD2 protein function with a negative predictive value of 80%. In summary, the available evidence is currently insufficient to determine the role of this variant in disease. Therefore, it has been classified as a Variant of Uncertain Significance.

Ambry Genetics
Classification: Uncertain significance for Cardiovascular phenotype. Last evaluated: 2024-12-21. Review status: criteria provided, single submitter. Criteria: Ambry Variant Classification Scheme 2023. Collection method: clinical testing. Allele origin: germline.
Comment: The p.R376G variant (also known as c.1126A>G), located in coding exon 13 of the TXNRD2 gene, results from an A to G substitution at nucleotide position 1126. The arginine at codon 376 is replaced by glycine, an amino acid with dissimilar properties. This amino acid position is poorly conserved in available vertebrate species. In addition, this alteration is predicted to be tolerated by in silico analysis. Since supporting evidence is limited at this time, the clinical significance of this alteration remains unclear.